The following is an entry in ClinVar:

NM_206933.4(USH2A):c.13070C>G (p.Ser4357Ter)

Gene: USH2A (usherin; minus strand). Cytogenetic location: 1q41.
Variant type: single nucleotide variant.
Coding change: c.13070C>G on transcript NM_206933.4 (MANE Select); coding-DNA position 13070, C replaced by G.
Protein change: p.Ser4357Ter; replaces serine 4357 with a stop codon.
Molecular consequence: nonsense.
Genome position (GRCh38, 1-based): chr1:215,674,841, G>C on the plus strand (C>G on the coding strand, the complement: USH2A is on the minus strand). VCF-style: chr1-215674841-G-C. GRCh37 (hg19) VCF-style: chr1-215848183-G-C.
Other names: short protein forms S4357*.
Identifiers: ClinVar variation 2754267 (VCV002754267.3), dbSNP rs2464897177, ClinGen allele CA344846698.

ClinVar aggregate classification (germline): Pathogenic (1 of 4 stars; one submission).

Submission:

Labcorp Genetics (formerly Invitae), Labcorp
Classification: Pathogenic. Last evaluated: 2023-08-20. Review status: criteria provided, single submitter. Criteria: Invitae Variant Classification Sherloc (09022015). Collection method: clinical testing. Allele origin: germline.
Comment: This sequence change creates a premature translational stop signal (p.Ser4357*) in the USH2A gene. It is expected to result in an absent or disrupted protein product. Loss-of-function variants in USH2A are known to be pathogenic (PMID: 10729113, 10909849, 20507924, 25649381). This variant is not present in population databases (gnomAD no frequency). This variant has not been reported in the literature in individuals affected with USH2A-related conditions. For these reasons, this variant has been classified as Pathogenic.

Literature cited by the submitters: PubMed 10729113; PubMed 10909849; PubMed 20507924; PubMed 25649381.